The following is an entry in ClinVar:

NM_007294.4(BRCA1):c.4663A>T (p.Arg1555Trp)

Gene: BRCA1 (BRCA1 DNA repair associated; minus strand). Cytogenetic location: 17q21.31.
Variant type: single nucleotide variant.
Coding change: c.4663A>T on transcript NM_007294.4 (MANE Select); coding-DNA position 4663, A replaced by T.
Protein change: p.Arg1555Trp; replaces arginine 1555 with tryptophan.
Molecular consequence: missense variant. On other transcripts: non-coding transcript variant (1).
Genome position (GRCh38, 1-based): chr17:43,074,343, T>A on the plus strand (A>T on the coding strand, the complement: BRCA1 is on the minus strand). VCF-style: chr17-43074343-T-A. GRCh37 (hg19) VCF-style: chr17-41226360-T-A.
Other names: c.1087A>T, p.Arg363Trp (NM_001408504.1, NM_001408502.1, NM_001408503.1); c.1084A>T, p.Arg362Trp (NM_001408505.1); c.1027A>T, p.Arg343Trp (NM_001408506.1); c.1024A>T, p.Arg342Trp (NM_001408507.1); c.1015A>T, p.Arg339Trp (NM_001408508.1); c.1012A>T, p.Arg338Trp (NM_001408509.1); c.973A>T, p.Arg325Trp (NM_001408510.1); c.970A>T, p.Arg324Trp (NM_001408511.1); and 68 more; short protein forms R1426W, R1428W, R1444W, R1511W, R1553W, R1575W, R1577W, R338W.
Identifiers: ClinVar variation 1742268 (VCV001742268.2), dbSNP rs2153988983, ClinGen allele CA10592186.
Genomic context (GRCh38, chr17:43,074,343, plus strand): 5'-CAGAGTAAAATCAAAGTGTTTGTTCCAATACAGCAGATGAAATATTACCTAGATCTTGCC[T>A]TGGCAAGTAAGATGTTTCCGTCAAATCGTGTGGCCCAGACTCTTCCAGCTGTTGCTCCTC-3'
Protein context (NP_009225.1, residues 1545-1565): HDLTETSYLP[Arg1555Trp]QDLEGTPYLE

ClinVar aggregate classification (germline): Uncertain significance (1 of 4 stars; one submission).

Conditions:
Hereditary cancer-predisposing syndrome. Also called: Hereditary Cancer Syndrome; Hereditary neoplastic syndrome; Neoplastic Syndromes, Hereditary; Tumor predisposition. Identifiers: Orphanet 140162, MedGen C0027672, MeSH D009386, MONDO:0015356.

Submission:

Ambry Genetics
Classification: Uncertain significance for Hereditary cancer-predisposing syndrome. Last evaluated: 2022-03-01. Review status: criteria provided, single submitter. Criteria: Ambry Variant Classification Scheme 2023. Collection method: clinical testing. Allele origin: germline.
Comment: The p.R1555W variant (also known as c.4663A>T), located in coding exon 13 of the BRCA1 gene, results from an A to T substitution at nucleotide position 4663. The arginine at codon 1555 is replaced by tryptophan, an amino acid with dissimilar properties. This amino acid position is conserved. In addition, the in silico prediction for this alteration is inconclusive. Since supporting evidence is limited at this time, the clinical significance of this alteration remains unclear.